The following is an entry in ClinVar:

ClinVar aggregate classification (germline): Uncertain significance. Review status: criteria provided, single submitter (1 of 4 stars). 3 submissions from 3 submitters: Uncertain significance (1). 2 of the submissions do not count toward it. Last evaluated 2024-02-19.

Conditions:
Nephrolithiasis susceptibility caused by SLC26A1 (CAON1). Also called: NEPHROLITHIASIS, CALCIUM OXALATE, 1. Identifiers: MedGen C5779632, MONDO:0020722, OMIM 167030.
Hypersulfaturia (HYSULF). Identifiers: MedGen C5830511, MONDO:0957268, OMIM 620372.
Hurler syndrome. Also called: MUCOPOLYSACCHARIDOSIS TYPE IH; Gargoylism, Hurler Syndrome; Severe MPS I (Hurler Syndrome). Identifiers: Orphanet 93473, MedGen C0086795, MONDO:0011758, OMIM 607014.

Submissions (3):

Fulgent Genetics
Classification: Uncertain significance for Nephrolithiasis susceptibility caused by SLC26A1; Hypersulfaturia. Last evaluated: 2024-02-19. Review status: criteria provided, single submitter. Criteria: ACMG Guidelines, 2015. Collection method: clinical testing. Allele origin: germline.

Counsyl
Classification: Likely benign for Hurler syndrome. Last evaluated: 2016-12-29. Review status: no assertion criteria provided. Collection method: clinical testing. Allele origin: unknown. Not counted in ClinVar's aggregate classification.

Martin Pollak Laboratory,  Beth Israel Deaconess Medical Center
Classification: Uncertain significance. Review status: no assertion criteria provided. Collection method: not provided. Allele origin: unknown. Not counted in ClinVar's aggregate classification.
Comment: Higher UCa2+ group
ClinVar note: Converted during submission from unknown to Uncertain significance.

NM_000203.5(IDUA):c.299+1279C>T

Genes: IDUA (alpha-L-iduronidase; plus strand), SLC26A1 (solute carrier family 26 member 1; minus strand). Cytogenetic location: 4p16.3.
Variant type: single nucleotide variant.
Coding change: c.299+1279C>T on transcript NM_000203.5 (MANE Select); 1279 bases into the intron after coding-DNA position 299, C replaced by T.
Molecular consequence: intron variant. On other transcripts: missense variant (2).
Genome position (GRCh38, 1-based): chr4:989,228, C>T. VCF-style: chr4-989228-C-T. GRCh37 (hg19) VCF-style: chr4-983016-C-T.
Other names: c.1711G>A, p.Ala571Thr (NM_022042.4, NM_213613.4); c.576+1900G>A (NM_134425.4); short protein forms A571T.
Identifiers: ClinVar variation 64586 (VCV000064586.5), dbSNP rs387907481, ClinGen allele CA216455.
Genomic context (GRCh38, chr4:989,228, plus strand): 5'-CGCCCTGGGCAGGGCCTCCCTCACCGACCCCCGTCTCTGAGCCCCCCTCCTTCCTCCTGG[C>T]AGCCATGCACCCTGCGTCCAGCCCCGTGAGGCTGTAGAGTGACTGCAGGAAGAAGTCCTT-3'